The following is an entry in ClinVar:

NM_015338.6(ASXL1):c.3932C>T (p.Ala1311Val)

Gene: ASXL1 (ASXL transcriptional regulator 1; plus strand). Cytogenetic location: 20q11.21.
Variant type: single nucleotide variant.
Coding change: c.3932C>T on transcript NM_015338.6 (MANE Select); coding-DNA position 3932, C replaced by T.
Protein change: p.Ala1311Val; replaces alanine 1311 with valine.
Molecular consequence: missense variant.
Genome position (GRCh38, 1-based): chr20:32,436,644, C>T. VCF-style: chr20-32436644-C-T. GRCh37 (hg19) VCF-style: chr20-31024447-C-T.
Other names: c.3749C>T, p.Ala1250Val (NM_001363734.1); short protein forms A1311V, A1250V.
Identifiers: ClinVar variation 2077446 (VCV002077446.4), dbSNP rs2145389683, ClinGen allele CA408564099.
Genomic context (GRCh38, chr20:32,436,644, plus strand): 5'-TGGGTGATCAGAGCAATGTTACAGGCCAAGGGAAGAAGCTTTTTGGCTCTGGGAATGTGG[C>T]TGCAACCCTTCAGCGCCCCAGGCCTGCGGACCCGATGCCTCTTCCTGCTGAGATCCCTCC-3'
Protein context (NP_056153.2, residues 1301-1321): GKKLFGSGNV[Ala1311Val]ATLQRPRPAD

ClinVar aggregate classification (germline): Uncertain significance (1 of 4 stars; one submission).

Submission:

Labcorp Genetics (formerly Invitae), Labcorp
Classification: Uncertain significance. Last evaluated: 2022-08-16. Review status: criteria provided, single submitter. Criteria: Invitae Variant Classification Sherloc (09022015). Collection method: clinical testing. Allele origin: germline.
Comment: In summary, the available evidence is currently insufficient to determine the role of this variant in disease. Therefore, it has been classified as a Variant of Uncertain Significance. Algorithms developed to predict the effect of missense changes on protein structure and function output the following: SIFT: "Tolerated"; PolyPhen-2: "Benign"; Align-GVGD: "Class C0". The valine amino acid residue is found in multiple mammalian species, which suggests that this missense change does not adversely affect protein function. This variant has not been reported in the literature in individuals affected with ASXL1-related conditions. This variant is not present in population databases (gnomAD no frequency). This sequence change replaces alanine, which is neutral and non-polar, with valine, which is neutral and non-polar, at codon 1311 of the ASXL1 protein (p.Ala1311Val).